The following is an entry in ClinVar:

NM_004281.4(BAG3):c.1360A>G (p.Ile454Val)

Gene: BAG3 (BAG cochaperone 3; plus strand). Cytogenetic location: 10q26.11.
Variant type: single nucleotide variant.
Coding change: c.1360A>G on transcript NM_004281.4 (MANE Select); coding-DNA position 1360, A replaced by G.
Protein change: p.Ile454Val; replaces isoleucine 454 with valine.
Molecular consequence: missense variant.
Genome position (GRCh38, 1-based): chr10:119,676,914, A>G. VCF-style: chr10-119676914-A-G. GRCh37 (hg19) VCF-style: chr10-121436426-A-G.
Other names: short protein forms I454V.
Identifiers: ClinVar variation 3901658 (VCV003901658.1).

ClinVar aggregate classification (germline): Uncertain significance (1 of 4 stars; one submission).

Submission:

GeneDx
Classification: Uncertain significance. Last evaluated: 2024-12-02. Review status: criteria provided, single submitter. Criteria: GeneDx Variant Classification Process June 2021. Collection method: clinical testing. Allele origin: germline. Affected: yes.
Comment: Not observed at significant frequency in large population cohorts (gnomAD); In silico analysis indicates that this missense variant does not alter protein structure/function; Has not been previously published as pathogenic or benign to our knowledge; This variant is associated with the following publications: (PMID: 20001957)